The following is an entry in ClinVar:

ClinVar aggregate classification (germline): Conflicting classifications of pathogenicity. Review status: criteria provided, conflicting classifications (1 of 4 stars). 6 submissions from 6 submitters: Uncertain significance (5); Likely benign (1). Last evaluated 2025-09-03.

Conditions:
Inborn genetic diseases. Identifiers: MedGen C0950123, MeSH D030342.
Bethlem myopathy 1A. Also called: MYOPATHY, BENIGN CONGENITAL, WITH CONTRACTURES; Bethlem myopathy 1; Bethlem Muscular Dystrophy. Identifiers: Orphanet 610, MedGen CN029274, MONDO:0024530, OMIM 158810.

Allele frequency attached by ClinVar (database versions not stated): gnomAD exomes 0.00004; TOPMed 0.00003; ExAC 0.00003; gnomAD 0.00003.

Submissions (6):

Labcorp Genetics (formerly Invitae), Labcorp
Classification: Likely benign for Bethlem myopathy 1A. Last evaluated: 2025-09-03. Review status: criteria provided, single submitter. Criteria: Invitae Variant Classification Sherloc (09022015). Collection method: clinical testing. Allele origin: germline.

Ambry Genetics
Classification: Uncertain significance for Inborn genetic diseases. Last evaluated: 2025-01-04. Review status: criteria provided, single submitter. Criteria: Ambry Variant Classification Scheme 2023. Collection method: clinical testing. Allele origin: germline.

Blueprint Genetics
Classification: Uncertain significance. Last evaluated: 2024-10-02. Review status: criteria provided, single submitter. Criteria: ACMG Guidelines, 2015. Collection method: clinical testing. Allele origin: germline.

Revvity Omics, Revvity
Classification: Uncertain significance. Last evaluated: 2024-01-18. Review status: criteria provided, single submitter. Criteria: ACMG Guidelines, 2015. Collection method: clinical testing. Allele origin: germline.

Mayo Clinic Laboratories, Mayo Clinic
Classification: Uncertain significance. Last evaluated: 2023-11-07. Review status: criteria provided, single submitter. Criteria: ACMG Guidelines, 2015. Collection method: clinical testing. Allele origin: germline. Observed: 2 variant alleles.
Comment: BP4

Eurofins Ntd Llc (ga)
Classification: Uncertain significance. Last evaluated: 2017-02-06. Review status: criteria provided, single submitter. Criteria: EGL Classification Definitions 2015. Collection method: clinical testing. Allele origin: germline. Observed: 3 variant alleles, 3 heterozygotes.

NM_004369.4(COL6A3):c.8008G>A (p.Ala2670Thr)

Gene: COL6A3 (collagen type VI alpha 3 chain; minus strand). Cytogenetic location: 2q37.3.
Variant type: single nucleotide variant.
Coding change: c.8008G>A on transcript NM_004369.4 (MANE Select); coding-DNA position 8008, G replaced by A.
Protein change: p.Ala2670Thr; replaces alanine 2670 with threonine.
Molecular consequence: missense variant.
Genome position (GRCh38, 1-based): chr2:237,340,908, C>T on the plus strand (G>A on the coding strand, the complement: COL6A3 is on the minus strand). VCF-style: chr2-237340908-C-T. GRCh37 (hg19) VCF-style: chr2-238249551-C-T.
Other names: c.6187G>A, p.Ala2063Thr (NM_057166.5); c.7390G>A, p.Ala2464Thr (NM_057167.4); short protein forms A2464T, A2063T.
Identifiers: ClinVar variation 95000 (VCV000095000.19), dbSNP rs398124135, ClinGen allele CA222664.